The following is an entry in ClinVar:

ClinVar aggregate classification (germline): Uncertain significance. Review status: criteria provided, multiple submitters, no conflicts (2 of 4 stars). 2 submissions from 2 submitters: Uncertain significance (2). Last evaluated 2025-06-30.

Conditions:
Inborn genetic diseases. Identifiers: MedGen C0950123, MeSH D030342.
Peroxisome biogenesis disorder 11A (Zellweger). Also called: Peroxisome biogenesis disorder 11A. Identifiers: Orphanet 912, MedGen C3554000, MONDO:0013949, OMIM 614883.

Allele frequency attached by ClinVar (database versions not stated): gnomAD 0.00001; gnomAD exomes 0.00001; TOPMed 0.00003.
gnomAD v4.1: 19 of 1,613,988 alleles (0.0012%); highest among the groups gnomAD compares: East Asian, 0.0022%; no homozygotes.

Submissions (2):

Ambry Genetics
Classification: Uncertain significance for Inborn genetic diseases. Last evaluated: 2025-06-30. Review status: criteria provided, single submitter. Criteria: Ambry Variant Classification Scheme 2023. Collection method: clinical testing. Allele origin: germline.

Labcorp Genetics (formerly Invitae), Labcorp
Classification: Uncertain significance for Peroxisome biogenesis disorder 11A (Zellweger). Last evaluated: 2024-04-10. Review status: criteria provided, single submitter. Criteria: Invitae Variant Classification Sherloc (09022015). Collection method: clinical testing. Allele origin: germline.
Comment: This sequence change replaces glutamic acid, which is acidic and polar, with lysine, which is basic and polar, at codon 378 of the PEX13 protein (p.Glu378Lys). This variant is present in population databases (no rsID available, gnomAD 0.002%). This variant has not been reported in the literature in individuals affected with PEX13-related conditions. ClinVar contains an entry for this variant (Variation ID: 1059563). An algorithm developed to predict the effect of missense changes on protein structure and function (PolyPhen-2) suggests that this variant is likely to be disruptive. In summary, the available evidence is currently insufficient to determine the role of this variant in disease. Therefore, it has been classified as a Variant of Uncertain Significance.

NM_002618.4(PEX13):c.1132G>A (p.Glu378Lys)

Gene: PEX13 (peroxisomal biogenesis factor 13; plus strand). Cytogenetic location: 2p15.
Variant type: single nucleotide variant.
Coding change: c.1132G>A on transcript NM_002618.4 (MANE Select); coding-DNA position 1132, G replaced by A.
Protein change: p.Glu378Lys; replaces glutamic acid 378 with lysine.
Molecular consequence: missense variant.
Genome position (GRCh38, 1-based): chr2:61,048,690, G>A. VCF-style: chr2-61048690-G-A. GRCh37 (hg19) VCF-style: chr2-61275825-G-A.
Other names: c.1132G>A (NM_002618.3); short protein forms E378K.
Identifiers: ClinVar variation 1059563 (VCV001059563.8), dbSNP rs1167111884, ClinGen allele CA346950186.